The following is an entry in ClinVar:

ClinVar aggregate classification (germline): Uncertain significance (1 of 4 stars; one submission).

Conditions:
TH-deficient dopa-responsive dystonia. Also called: Tyrosine Hydroxylase-Deficient Dopa-Responsive Dystonia; DYT-TH; Segawa syndrome, autosomal recessive. Identifiers: Orphanet 101150, MedGen C2673535, MONDO:0011551, OMIM 605407.

gnomAD v4.1: 4 of 1,558,552 alleles (0.00026%); highest among the groups gnomAD compares: South Asian, 0.0012%; no homozygotes.

Submission:

Labcorp Genetics (formerly Invitae), Labcorp
Classification: Uncertain significance for TH-deficient dopa-responsive dystonia. Last evaluated: 2020-02-22. Review status: criteria provided, single submitter. Criteria: Invitae Variant Classification Sherloc (09022015). Collection method: clinical testing. Allele origin: germline.
Comment: In summary, the available evidence is currently insufficient to determine the role of this variant in disease. Therefore, it has been classified as a Variant of Uncertain Significance. Algorithms developed to predict the effect of missense changes on protein structure and function output the following: SIFT: "Tolerated"; PolyPhen-2: "Benign"; Align-GVGD: "Class C0". The glutamine amino acid residue is found in multiple mammalian species, suggesting that this missense change does not adversely affect protein function. These predictions have not been confirmed by published functional studies and their clinical significance is uncertain. This variant has not been reported in the literature in individuals with TH-related conditions. This variant is not present in population databases (ExAC no frequency). This sequence change replaces histidine with glutamine at codon 246 of the TH protein (p.His246Gln). The histidine residue is highly conserved and there is a small physicochemical difference between histidine and glutamine.

NM_000360.4(TH):c.645C>A (p.His215Gln)

Gene: TH (tyrosine hydroxylase; minus strand). Cytogenetic location: 11p15.5.
Variant type: single nucleotide variant.
Coding change: c.645C>A on transcript NM_000360.4 (MANE Select); coding-DNA position 645, C replaced by A.
Protein change: p.His215Gln; replaces histidine 215 with glutamine.
Molecular consequence: missense variant.
Genome position (GRCh38, 1-based): chr11:2,167,485, G>T on the plus strand (C>A on the coding strand, the complement: TH is on the minus strand). VCF-style: chr11-2167485-G-T. GRCh37 (hg19) VCF-style: chr11-2188715-G-T.
Other names: c.738C>A, p.His246Gln (NM_199292.3); c.726C>A, p.His242Gln (NM_199293.3); short protein forms H242Q, H215Q, H246Q.
Identifiers: ClinVar variation 946251 (VCV000946251.9), dbSNP rs768037080, ClinGen allele CA379127531.